The following is an entry in ClinVar:

ClinVar aggregate classification (germline): Likely pathogenic. Review status: criteria provided, single submitter (1 of 4 stars). 2 submissions from 2 submitters: Likely pathogenic (1). 1 of the submissions does not count toward it. Last evaluated 2022-02-22.

Conditions:
Aspartylglucosaminuria (AGU). Also called: Aspartylglucos-aminuria; Aspartylglucos-amidase (AGA) deficiency; AGA DEFICIENCY; GLYCOASPARAGINASE; GLYCOSYLASPARAGINASE DEFICIENCY. Identifiers: Orphanet 93, MedGen C0268225, MONDO:0008830, OMIM 208400, HP:0012068.

Allele frequency attached by ClinVar (database versions not stated): gnomAD exomes 0.00001; TOPMed below 0.00001; gnomAD 0.00001.
gnomAD v4.1: 7 of 1,577,432 alleles (0.00044%); highest among the groups gnomAD compares: Non-Finnish European, 0.00061%; no homozygotes.

Submissions (2):

Fulgent Genetics
Classification: Likely pathogenic for Aspartylglucosaminuria. Last evaluated: 2022-02-22. Review status: criteria provided, single submitter. Criteria: ACMG Guidelines, 2015. Collection method: clinical testing. Allele origin: unknown.

Juha Muilu Group; Institute for Molecular Medicine Finland (FIMM)
Classification: Likely pathogenic for Aspartylglycosaminuria. Review status: no assertion criteria provided. Collection method: not provided. Allele origin: unknown. Not counted in ClinVar's aggregate classification.
Comment: FinDis database variant: This variant was not found or characterized by our laboratory, data were collected from public sources: see reference
ClinVar note: Converted during submission from probable-pathogenic to Likely pathogenic.

NM_000027.4(AGA):c.404T>C (p.Phe135Ser)

Gene: AGA (aspartylglucosaminidase; minus strand). Cytogenetic location: 4q34.3.
Variant type: single nucleotide variant.
Coding change: c.404T>C on transcript NM_000027.4 (MANE Select); coding-DNA position 404, T replaced by C.
Protein change: p.Phe135Ser; replaces phenylalanine 135 with serine.
Molecular consequence: missense variant. On other transcripts: non-coding transcript variant (1).
Genome position (GRCh38, 1-based): chr4:177,438,848, A>G on the plus strand (T>C on the coding strand, the complement: AGA is on the minus strand). VCF-style: chr4-177438848-A-G. GRCh37 (hg19) VCF-style: chr4-178360002-A-G.
Other names: c.404T>C, p.Phe135Ser (NM_001171988.2); short protein forms F135S.
Identifiers: ClinVar variation 55946 (VCV000055946.3), dbSNP rs386833427, ClinGen allele CA144022.